The following is an entry in ClinVar:

NM_198075.4(LRRC56):c.326+6C>T

Gene: LRRC56 (leucine rich repeat containing 56; plus strand). Cytogenetic location: 11p15.5.
Variant type: single nucleotide variant.
Coding change: c.326+6C>T on transcript NM_198075.4 (MANE Select); 6 bases into the intron after coding-DNA position 326, C replaced by T.
Molecular consequence: intron variant.
Genome position (GRCh38, 1-based): chr11:544,786, C>T. VCF-style: chr11-544786-C-T. GRCh37 (hg19) VCF-style: chr11-544786-C-T.
Other names: c.326+6C>T (NM_198075.3).
Identifiers: ClinVar variation 1487556 (VCV001487556.5), dbSNP rs375099791, ClinGen allele CA5779632.

ClinVar aggregate classification (germline): Uncertain significance. Review status: criteria provided, single submitter (1 of 4 stars). 2 submissions from 2 submitters: Uncertain significance (1). 1 of the submissions does not count toward it. Last evaluated 2022-05-04.

Conditions:
LRRC56-related disorder. Also called: LRRC56-related condition.

Allele frequency attached by ClinVar (database versions not stated): ExAC 0.00003; gnomAD 0.00009 and 0.00010; ESP Exome Variant Server 0.00015.
gnomAD v4.1: 31 of 1,608,622 alleles (0.0019%); highest among the groups gnomAD compares: African/African-American, 0.027%; no homozygotes.

Submissions (2):

Labcorp Genetics (formerly Invitae), Labcorp
Classification: Uncertain significance. Last evaluated: 2022-05-04. Review status: criteria provided, single submitter. Criteria: Invitae Variant Classification Sherloc (09022015). Collection method: clinical testing. Allele origin: germline.
Comment: This sequence change falls in intron 6 of the LRRC56 gene. It does not directly change the encoded amino acid sequence of the LRRC56 protein. It affects a nucleotide within the consensus splice site. This variant is present in population databases (rs375099791, gnomAD 0.03%). This variant has not been reported in the literature in individuals affected with LRRC56-related conditions. Variants that disrupt the consensus splice site are a relatively common cause of aberrant splicing (PMID: 17576681, 9536098). Algorithms developed to predict the effect of sequence changes on RNA splicing suggest that this variant is not likely to affect RNA splicing. In summary, the available evidence is currently insufficient to determine the role of this variant in disease. Therefore, it has been classified as a Variant of Uncertain Significance.

PreventionGenetics, part of Exact Sciences
Classification: Likely benign for LRRC56-related condition. Last evaluated: 2024-01-18. Review status: no assertion criteria provided. Collection method: clinical testing. Allele origin: germline. Not counted in ClinVar's aggregate classification.
Comment: This variant is classified as likely benign based on ACMG/AMP sequence variant interpretation guidelines (Richards et al. 2015 PMID: 25741868, with internal and published modifications).

Literature cited by the submitters: PubMed 17576681 (cited by Labcorp Genetics (formerly Invitae), Labcorp); PubMed 9536098 (cited by Labcorp Genetics (formerly Invitae), Labcorp).